The following is an entry in ClinVar:

NM_001035.3(RYR2):c.8392A>T (p.Met2798Leu)

Gene: RYR2 (ryanodine receptor 2; plus strand). Cytogenetic location: 1q43.
Variant type: single nucleotide variant.
Coding change: c.8392A>T on transcript NM_001035.3 (MANE Select); coding-DNA position 8392, A replaced by T.
Protein change: p.Met2798Leu; replaces methionine 2798 with leucine.
Molecular consequence: missense variant.
Genome position (GRCh38, 1-based): chr1:237,660,903, A>T. VCF-style: chr1-237660903-A-T. GRCh37 (hg19) VCF-style: chr1-237824203-A-T.
Other names: c.8392A>T (NM_001035.2); short protein forms M2798L.
Identifiers: ClinVar variation 928398 (VCV000928398.12), dbSNP rs1275797500, ClinGen allele CA345401932.

ClinVar aggregate classification (germline): Uncertain significance. Review status: criteria provided, multiple submitters, no conflicts (2 of 4 stars). 4 submissions from 4 submitters: Uncertain significance (4). Last evaluated 2024-11-26.

Conditions:
Catecholaminergic polymorphic ventricular tachycardia (CVPT). Also called: Catecholamine-induced polymorphic ventricular tachycardia. Identifiers: Orphanet 3286, MedGen C5574922, MONDO:0017990.
Cardiomyopathy (CMYO). Also called: Cardiomyopathies. Identifiers: Orphanet 167848, MedGen C0878544, MONDO:0004994, HP:0001638. Inheritance: Various modes of inheritance.
Catecholaminergic polymorphic ventricular tachycardia 1. Also called: VENTRICULAR TACHYCARDIA, CATECHOLAMINERGIC POLYMORPHIC, 1, WITH OR WITHOUT ATRIAL DYSFUNCTION AND/OR DILATED CARDIOMYOPATHY; VENTRICULAR TACHYCARDIA, STRESS-INDUCED POLYMORPHIC 1; RYR2-Related Catecholaminergic Polymorphic Ventricular Tachycardia. Identifiers: Orphanet 3286, MedGen C1631597, MONDO:0011484, OMIM 604772.
Cardiovascular phenotype. Identifiers: MedGen CN230736.

Allele frequency attached by ClinVar (database versions not stated): gnomAD exomes 0.00001; TOPMed 0.00001.
gnomAD v4.1: 13 of 1,522,244 alleles (0.00085%); highest among the groups gnomAD compares: African/African-American, 0.0014%; no homozygotes.

Submissions (4):

Ambry Genetics
Classification: Uncertain significance for Cardiovascular phenotype. Last evaluated: 2024-11-26. Review status: criteria provided, single submitter. Criteria: Ambry Variant Classification Scheme 2023. Collection method: clinical testing. Allele origin: germline.
Comment: The p.M2798L variant (also known as c.8392A>T), located in coding exon 56 of the RYR2 gene, results from an A to T substitution at nucleotide position 8392. The methionine at codon 2798 is replaced by leucine, an amino acid with highly similar properties. This amino acid position is well conserved in available vertebrate species. In addition, the in silico prediction for this alteration is inconclusive. Since supporting evidence is limited at this time, the clinical significance of this alteration remains unclear.

Labcorp Genetics (formerly Invitae), Labcorp
Classification: Uncertain significance for Catecholaminergic polymorphic ventricular tachycardia 1. Last evaluated: 2024-06-15. Review status: criteria provided, single submitter. Criteria: Invitae Variant Classification Sherloc (09022015). Collection method: clinical testing. Allele origin: germline.
Comment: This sequence change replaces methionine, which is neutral and non-polar, with leucine, which is neutral and non-polar, at codon 2798 of the RYR2 protein (p.Met2798Leu). The frequency data for this variant in the population databases is considered unreliable, as metrics indicate poor data quality at this position in the gnomAD database. This variant has not been reported in the literature in individuals affected with RYR2-related conditions. ClinVar contains an entry for this variant (Variation ID: 928398). Advanced modeling of protein sequence and biophysical properties (such as structural, functional, and spatial information, amino acid conservation, physicochemical variation, residue mobility, and thermodynamic stability) performed at Invitae indicates that this missense variant is not expected to disrupt RYR2 protein function with a negative predictive value of 95%. In summary, the available evidence is currently insufficient to determine the role of this variant in disease. Therefore, it has been classified as a Variant of Uncertain Significance.

All of Us Research Program, National Institutes of Health
Classification: Uncertain significance for Catecholaminergic polymorphic ventricular tachycardia. Last evaluated: 2024-01-11. Review status: criteria provided, single submitter. Criteria: ACMG Guidelines, 2015. Collection method: clinical testing. Allele origin: germline. Inheritance: Autosomal dominant inheritance. Observed: 2 variant alleles, 2 heterozygotes.
Comment: This missense variant replaces methionine with leucine at codon 2798 of the RYR2 protein. Computational prediction tools and conservation analyses are inconclusive regarding the impact of this variant on the protein function. Computational splicing tools suggest that this variant may not impact RNA splicing. To our knowledge, functional assays have not been performed for this variant nor has this variant been reported in individuals affected with cardiovascular disorders in the literature. This variant has been identified in 2/178420 chromosomes in the general population by the Genome Aggregation Database (gnomAD). Available evidence is insufficient to determine the role of this variant in disease conclusively. Therefore, this variant is classified as a Variant of Uncertain Significance.

This study involves interpretation of variants in research participants for the purpose of population health screening. Participant phenotype was not available at the time of variant classification. Additional details can be found in publication PMID: 35346344, PMCID: PMC8962531

Color Diagnostics, LLC DBA Color Health
Classification: Uncertain significance for Cardiomyopathy. Last evaluated: 2023-07-22. Review status: criteria provided, single submitter. Criteria: ACMG Guidelines, 2015. Collection method: clinical testing. Allele origin: germline.
Comment: This missense variant replaces methionine with leucine at codon 2798 of the RYR2 protein. Computational prediction tools and conservation analyses are inconclusive regarding the impact of this variant on the protein function. To our knowledge, functional assays have not been performed for this variant nor has this variant been reported in individuals affected with cardiovascular disorders in the literature. This variant has been identified in 2/178420 chromosomes in the general population by the Genome Aggregation Database (gnomAD). Available evidence is insufficient to determine the role of this variant in disease conclusively. Therefore, this variant is classified as a Variant of Uncertain Significance.